The following is an entry in ClinVar:

NM_002907.4(RECQL):c.1223A>G (p.Asp408Gly)

Gene: RECQL (RecQ like helicase; minus strand). Cytogenetic location: 12p12.1.
Variant type: single nucleotide variant.
Coding change: c.1223A>G on transcript NM_002907.4 (MANE Select); coding-DNA position 1223, A replaced by G.
Protein change: p.Asp408Gly; replaces aspartic acid 408 with glycine.
Molecular consequence: missense variant.
Genome position (GRCh38, 1-based): chr12:21,474,973, T>C on the plus strand (A>G on the coding strand, the complement: RECQL is on the minus strand). VCF-style: chr12-21474973-T-C. GRCh37 (hg19) VCF-style: chr12-21627907-T-C.
Other names: c.1223A>G, p.Asp408Gly (NM_032941.3); short protein forms D408G.
Identifiers: ClinVar variation 3431799 (VCV003431799.1).

ClinVar aggregate classification (germline): Uncertain significance (1 of 4 stars; one submission).

Submission:

Ambry Genetics
Classification: Uncertain significance. Last evaluated: 2024-09-22. Review status: criteria provided, single submitter. Criteria: Ambry Variant Classification Scheme 2023. Collection method: clinical testing. Allele origin: germline.
Comment: The p.D408G variant (also known as c.1223A>G), located in coding exon 10 of the RECQL gene, results from an A to G substitution at nucleotide position 1223. The aspartic acid at codon 408 is replaced by glycine, an amino acid with similar properties. This amino acid position is conserved. In addition, this alteration is predicted to be deleterious by in silico analysis. Based on the available evidence, the clinical significance of this variant remains unclear.